The following is an entry in ClinVar:

ClinVar aggregate classification (germline): Uncertain significance. Review status: criteria provided, multiple submitters, no conflicts (2 of 4 stars). 2 submissions from 2 submitters: Uncertain significance (2). Last evaluated 2025-12-10.

Conditions:
POLD1-related polyposis and colorectal cancer syndrome (CRCS10). Also called: Colorectal cancer 10; COLORECTAL CANCER, SUSCEPTIBILITY TO, ON CHROMOSOME 19q; Colorectal cancer, susceptibility to, 10. Identifiers: Orphanet 220460, MedGen C2675481, MONDO:0012953, OMIM 612591.

Submissions (2):

Labcorp Genetics (formerly Invitae), Labcorp
Classification: Uncertain significance for POLD1-related polyposis and colorectal cancer syndrome. Last evaluated: 2025-12-10. Review status: criteria provided, single submitter. Criteria: Invitae Variant Classification Sherloc (09022015). Collection method: clinical testing. Allele origin: germline.
Comment: This variant, c.157_162dup, results in the insertion of 2 amino acid(s) of the POLD1 protein (p.Gln53_Glu54dup), but otherwise preserves the integrity of the reading frame. This variant is not present in population databases (gnomAD no frequency). This variant has not been reported in the literature in individuals affected with POLD1-related conditions. ClinVar contains an entry for this variant (Variation ID: 1045089). Experimental studies and prediction algorithms are not available or were not evaluated, and the functional significance of this variant is currently unknown. In summary, the available evidence is currently insufficient to determine the role of this variant in disease. Therefore, it has been classified as a Variant of Uncertain Significance.

GeneDx
Classification: Uncertain significance. Last evaluated: 2022-10-26. Review status: criteria provided, single submitter. Criteria: GeneDx Variant Classification Process June 2021. Collection method: clinical testing. Allele origin: germline. Affected: yes.
Comment: Not observed at significant frequency in large population cohorts (gnomAD); In-frame insertion of 2 amino acids in a repetitive region with no known function; Has not been previously published as pathogenic or benign to our knowledge

NM_002691.4(POLD1):c.151CAGGAG[3] (p.51QE[3])

Gene: POLD1 (DNA polymerase delta 1, catalytic subunit; plus strand). Cytogenetic location: 19q13.33.
Variant type: Microsatellite.
Coding change: c.151CAGGAG[3] on transcript NM_002691.4 (MANE Select); three copies in a row of the 6-base unit CAGGAG starting at c.151; the reference has two copies in a row; one copy, 6 bases duplicated; also written c.157_162dup.
Protein change: p.51QE[3].
Molecular consequence: inframe insertion. On other transcripts: non-coding transcript variant (1).
Genome position (GRCh38, 1-based): chr19:50,399,008-50,399,013, CAGGAG duplicated; duplicating any 6 consecutive bases within chr19:50,399,001-50,399,013 gives the same sequence; the position shown is the placement nearest the transcript's 3' end. VCF-style (leftmost placement, unchanged base first): chr19-50399000-T-TGCAGGA. GRCh37 (hg19) VCF-style: chr19-50902257-T-TGCAGGA.
Other names: c.151CAGGAG[3], p.51QE[3] (NM_001256849.1, NM_001308632.1); c.157_162dup (NM_002691.3).
Identifiers: ClinVar variation 1045089 (VCV001045089.7), dbSNP rs760207160, ClinGen allele CA2340880702.